The following is an entry in ClinVar:

NM_000051.4(ATM):c.5496A>G (p.Glu1832=)

Gene: ATM (ATM serine/threonine kinase; plus strand). Cytogenetic location: 11q22.3.
Variant type: single nucleotide variant.
Coding change: c.5496A>G on transcript NM_000051.4 (MANE Select); coding-DNA position 5496, A replaced by G.
Protein change: p.Glu1832=; no amino-acid change (glutamic acid 1832 retained).
Molecular consequence: synonymous variant.
Genome position (GRCh38, 1-based): chr11:108,303,029, A>G. VCF-style: chr11-108303029-A-G. GRCh37 (hg19) VCF-style: chr11-108173756-A-G.
Other names: c.5496A>G, p.Glu1832= (NM_001351834.2).
Identifiers: ClinVar variation 825771 (VCV000825771.10), dbSNP rs1591713080, ClinGen allele CA476675037.

ClinVar aggregate classification (germline): Conflicting classifications of pathogenicity. Review status: criteria provided, conflicting classifications (1 of 4 stars). 2 submissions from 2 submitters: Uncertain significance (1); Likely benign (1). Last evaluated 2021-09-30.

Conditions:
Hereditary cancer-predisposing syndrome. Also called: Neoplastic Syndromes, Hereditary; Hereditary Cancer Syndrome; Hereditary neoplastic syndrome; Tumor predisposition. Identifiers: Orphanet 140162, MedGen C0027672, MeSH D009386, MONDO:0015356.
Ataxia-telangiectasia syndrome (AT). Also called: ATAXIA-TELANGIECTASIA, COMPLEMENTATION GROUP A; ATAXIA-TELANGIECTASIA, FRESNO VARIANT; Ataxia-telangiectasia, complementation group E; Ataxia telangiectasia (A-T); LOUIS-BAR SYNDROME; Cerebello-oculocutaneous telangiectasia. Identifiers: Orphanet 100, MedGen C0004135, MONDO:0008840, OMIM 208900.

Submissions (2):

Labcorp Genetics (formerly Invitae), Labcorp
Classification: Uncertain significance for Ataxia-telangiectasia syndrome. Last evaluated: 2021-09-30. Review status: criteria provided, single submitter. Criteria: Invitae Variant Classification Sherloc (09022015). Collection method: clinical testing. Allele origin: germline.
Comment: This sequence change affects codon 1832 of the ATM mRNA. It is a 'silent' change, meaning that it does not change the encoded amino acid sequence of the ATM protein. This variant is not present in population databases (ExAC no frequency). This variant has not been reported in the literature in individuals with ATM-related disease. Algorithms developed to predict the effect of sequence changes on RNA splicing suggest that this variant is not likely to affect RNA splicing, but this prediction has not been confirmed by published transcriptional studies. In summary, the available evidence is currently insufficient to determine the role of this variant in disease. Therefore, it has been classified as a Variant of Uncertain Significance.

Ambry Genetics
Classification: Likely benign for Hereditary cancer-predisposing syndrome. Last evaluated: 2019-11-15. Review status: criteria provided, single submitter. Criteria: Ambry Variant Classification Scheme 2023. Collection method: clinical testing. Allele origin: germline.